The following is an entry in ClinVar:

ClinVar aggregate classification (germline): Pathogenic/Likely pathogenic. Review status: criteria provided, multiple submitters, no conflicts (2 of 4 stars). 4 submissions from 4 submitters: Pathogenic (2); Likely pathogenic (1). 1 of the submissions does not count toward it. Last evaluated 2023-02-14.

Conditions:
ABCC6-related disorder. Also called: ABCC6-related condition.
Autosomal recessive inherited pseudoxanthoma elasticum (PXE). Identifiers: Orphanet 758, MedGen CN032334, MONDO:0009925, OMIM 264800.

Allele frequency attached by ClinVar (database versions not stated): gnomAD exomes 0.00001 and 0.00002; ExAC 0.00002; TOPMed 0.00002.
gnomAD v4.1: 17 of 1,612,234 alleles (0.0011%); highest among the groups gnomAD compares: East Asian, 0.0067%; no homozygotes.

Submissions (4):

Labcorp Genetics (formerly Invitae), Labcorp
Classification: Pathogenic. Last evaluated: 2023-02-14. Review status: criteria provided, single submitter. Criteria: Invitae Variant Classification Sherloc (09022015). Collection method: clinical testing. Allele origin: germline.
Comment: This sequence change creates a premature translational stop signal (p.Arg1398*) in the ABCC6 gene. It is expected to result in an absent or disrupted protein product. Loss-of-function variants in ABCC6 are known to be pathogenic (PMID: 11536079, 17617515). This variant is present in population databases (rs66913554, gnomAD 0.01%). This premature translational stop signal has been observed in individual(s) with pseudoxanthoma elasticum (PMID: 11536079, 17617515, 18157818). ClinVar contains an entry for this variant (Variation ID: 433352). For these reasons, this variant has been classified as Pathogenic.

Blueprint Genetics
Classification: Likely pathogenic for ABCC6-related disorders. Last evaluated: 2022-11-10. Review status: criteria provided, single submitter. Criteria: ACMG Guidelines, 2015. Collection method: clinical testing. Allele origin: germline. Affected: yes. Observed: 1 variant allele.

Molecular Diagnostics Laboratory, M Health Fairview: University of Minnesota
Classification: Pathogenic for Autosomal recessive inherited pseudoxanthoma elasticum. Last evaluated: 2017-11-27. Review status: criteria provided, single submitter. Criteria: ACMG Guidelines, 2015. Collection method: clinical testing. Allele origin: germline. Affected: yes. Observed: 1 variant allele.

PXE International
Classification: Pathogenic for Autosomal recessive inherited pseudoxanthoma elasticum. Last evaluated: 2021-03-01. Review status: no assertion criteria provided. Collection method: research. Allele origin: germline. Inheritance: Autosomal recessive inheritance. Affected: yes. Observed: 3 variant alleles. Clinical features observed: Papule (HP:0200034), Skin plaque (HP:0200035), Retinal hemorrhage (HP:0000573), Weak or absent arterial pulse, Myocardial infarction (HP:0001658), Intermittent claudication (HP:0004417), Angioid streaks (HP:0001102). Not counted in ClinVar's aggregate classification.

Literature cited by the submitters: PubMed 11536079 (cited by Labcorp Genetics (formerly Invitae), Labcorp and Molecular Diagnostics Laboratory, M Health Fairview: University of Minnesota); PubMed 17617515 (cited by Labcorp Genetics (formerly Invitae), Labcorp and Molecular Diagnostics Laboratory, M Health Fairview: University of Minnesota); PubMed 18157818 (cited by Labcorp Genetics (formerly Invitae), Labcorp); ISBN: 9789090242545 (cited by Molecular Diagnostics Laboratory, M Health Fairview: University of Minnesota).

NM_001171.6(ABCC6):c.4192C>T (p.Arg1398Ter)

Gene: ABCC6 (ATP binding cassette subfamily C member 6; minus strand). Cytogenetic location: 16p13.11.
Variant type: single nucleotide variant.
Coding change: c.4192C>T on transcript NM_001171.6 (MANE Select); coding-DNA position 4192, C replaced by T.
Protein change: p.Arg1398Ter; replaces arginine 1398 with a stop codon.
Molecular consequence: nonsense. On other transcripts: non-coding transcript variant (1).
Genome position (GRCh38, 1-based): chr16:16,154,644, G>A on the plus strand (C>T on the coding strand, the complement: ABCC6 is on the minus strand). VCF-style: chr16-16154644-G-A. GRCh37 (hg19) VCF-style: chr16-16248501-G-A.
Other names: c.3850C>T, p.Arg1284Ter (NM_001351800.1); short protein forms R1398*, R1284*.
Identifiers: ClinVar variation 433352 (VCV000433352.6), dbSNP rs66913554, ClinGen allele CA7925290.